The following is an entry in ClinVar:

ClinVar aggregate classification (germline): Uncertain significance (1 of 4 stars; one submission).

Conditions:
Hereditary cancer-predisposing syndrome. Also called: Hereditary neoplastic syndrome; Neoplastic Syndromes, Hereditary; Tumor predisposition; Hereditary Cancer Syndrome. Identifiers: Orphanet 140162, MedGen C0027672, MeSH D009386, MONDO:0015356.

gnomAD v4.1: 1 of 1,614,176 alleles (0.000062%); highest among the groups gnomAD compares: Non-Finnish European, 0.000085%; no homozygotes.

Submission:

Ambry Genetics
Classification: Uncertain significance for Hereditary cancer-predisposing syndrome. Last evaluated: 2025-02-27. Review status: criteria provided, single submitter. Criteria: Ambry Variant Classification Scheme 2023. Collection method: clinical testing. Allele origin: germline.
Comment: The p.V992I variant (also known as c.2974G>A), located in coding exon 18 of the ALK gene, results from a G to A substitution at nucleotide position 2974. The valine at codon 992 is replaced by isoleucine, an amino acid with highly similar properties. This amino acid position is conserved. In addition, this alteration is predicted to be tolerated by in silico analysis. Based on the available evidence, the clinical significance of this variant remains unclear.

NM_004304.5(ALK):c.2974G>A (p.Val992Ile)

Gene: ALK (ALK receptor tyrosine kinase; minus strand). Cytogenetic location: 2p23.2.
Variant type: single nucleotide variant.
Coding change: c.2974G>A on transcript NM_004304.5 (MANE Select); coding-DNA position 2974, G replaced by A.
Protein change: p.Val992Ile; replaces valine 992 with isoleucine.
Molecular consequence: missense variant.
Genome position (GRCh38, 1-based): chr2:29,227,015, C>T on the plus strand (G>A on the coding strand, the complement: ALK is on the minus strand). VCF-style: chr2-29227015-C-T. GRCh37 (hg19) VCF-style: chr2-29449881-C-T.
Other names: short protein forms V992I.
Identifiers: ClinVar variation 3855939 (VCV003855939.1).